The following is an entry in ClinVar:

NM_015231.3(NUP160):c.454A>G (p.Ile152Val)

Gene: NUP160 (nucleoporin 160; minus strand). Cytogenetic location: 11p11.2.
Variant type: single nucleotide variant.
Coding change: c.454A>G on transcript NM_015231.3 (MANE Select); coding-DNA position 454, A replaced by G.
Protein change: p.Ile152Val; replaces isoleucine 152 with valine.
Molecular consequence: missense variant. On other transcripts: 3 prime UTR variant (1), non-coding transcript variant (1).
Genome position (GRCh38, 1-based): chr11:47,840,035, T>C on the plus strand (A>G on the coding strand, the complement: NUP160 is on the minus strand). VCF-style: chr11-47840035-T-C. GRCh37 (hg19) VCF-style: chr11-47861587-T-C.
Other names: c.*193A>G (NM_001318399.1); short protein forms I152V.
Identifiers: ClinVar variation 4987290 (VCV004987290.1).
Genomic context (GRCh38, chr11:47,840,035, plus strand): 5'-CTGGAATTAACTGATAGTTGCAAGGATCTGTGAAATCAACTTTTCCAATGTCAGTGAATA[T>C]TGACTGCATCTGACTGTCAACTACCAACTCCTGTTGAGTAATTAAAAAGAAAAATCTATT-3'
Protein context (NP_056046.2, residues 142-162): ELVVDSQMQS[Ile152Val]FTDIGKVDFT

ClinVar aggregate classification (germline): Likely benign (1 of 4 stars; one submission).

Conditions:
NUP160-related disorder. Also called: NUP160-related condition.

gnomAD v4.1: 187 of 1,613,728 alleles (0.012%); highest among the groups gnomAD compares: East Asian, 0.38%; no homozygotes.

Submission:

PreventionGenetics, part of Exact Sciences
Classification: Likely benign for NUP160-related condition. Last evaluated: 2026-04-24. Review status: criteria provided, single submitter. Criteria: ACMG Guidelines, 2015. Collection method: clinical testing. Allele origin: germline.
Comment: This variant is classified as likely benign based on ACMG/AMP sequence variant interpretation guidelines (Richards et al. 2015 PMID: 25741868, with internal and published modifications).